The following is an entry in ClinVar:

NM_001009999.3(KDM1A):c.2522G>A (p.Ser841Asn)

Gene: KDM1A (lysine demethylase 1A; plus strand). Cytogenetic location: 1p36.12.
Variant type: single nucleotide variant.
Coding change: c.2522G>A on transcript NM_001009999.3 (MANE Select); coding-DNA position 2522, G replaced by A.
Protein change: p.Ser841Asn; replaces serine 841 with asparagine.
Molecular consequence: missense variant. On other transcripts: 3 prime UTR variant (1).
Genome position (GRCh38, 1-based): chr1:23,083,255, G>A. VCF-style: chr1-23083255-G-A. GRCh37 (hg19) VCF-style: chr1-23409748-G-A.
Other names: c.2468G>A, p.Ser823Asn (NM_001363654.2); c.2528G>A, p.Ser843Asn (NM_001410762.1); c.*770G>A (NM_001410763.1); c.2450G>A, p.Ser817Asn (NM_015013.4); short protein forms S817N, S823N, S841N, S843N.
Identifiers: ClinVar variation 4858699 (VCV004858699.1).

ClinVar aggregate classification (germline): Uncertain significance (1 of 4 stars; one submission).

Conditions:
Inborn genetic diseases. Identifiers: MedGen C0950123, MeSH D030342.

gnomAD v4.1: 1 of 1,614,012 alleles (0.000062%); highest among the groups gnomAD compares: Non-Finnish European, 0.000085%; no homozygotes.

Submission:

Ambry Genetics
Classification: Uncertain significance for Inborn genetic diseases. Last evaluated: 2026-03-29. Review status: criteria provided, single submitter. Criteria: Ambry Variant Classification Scheme 2023. Collection method: clinical testing. Allele origin: germline.
Comment: The p.S841N variant (also known as c.2522G>A), located in coding exon 21 of the KDM1A gene, results from a G to A substitution at nucleotide position 2522. The serine at codon 841 is replaced by asparagine, an amino acid with highly similar properties. This amino acid position is conserved. In addition, this alteration is predicted to be deleterious by in silico analysis. Based on the available evidence, the clinical significance of this variant remains unclear.